The following is an entry in ClinVar:

ClinVar aggregate classification (germline): Uncertain significance (1 of 4 stars; one submission).

Submission:

CeGaT Center for Human Genetics Tuebingen
Classification: Uncertain significance. Last evaluated: 2024-06-01. Review status: criteria provided, single submitter. Criteria: CeGaT Center For Human Genetics Tuebingen Variant Classification Criteria Version 2. Collection method: clinical testing. Allele origin: germline. Affected: yes. Observed: 1 variant allele.
Comment: OTOG: PM2, BP4

NM_001292063.2(OTOG):c.3401C>T (p.Ala1134Val)

Gene: OTOG (otogelin; plus strand). Cytogenetic location: 11p15.1.
Variant type: single nucleotide variant.
Coding change: c.3401C>T on transcript NM_001292063.2 (MANE Select); coding-DNA position 3401, C replaced by T.
Protein change: p.Ala1134Val; replaces alanine 1134 with valine.
Molecular consequence: missense variant.
Genome position (GRCh38, 1-based): chr11:17,594,159, C>T. VCF-style: chr11-17594159-C-T. GRCh37 (hg19) VCF-style: chr11-17615706-C-T.
Other names: c.3437C>T, p.Ala1146Val (NM_001277269.2); short protein forms A1134V, A1146V.
Identifiers: ClinVar variation 2672461 (VCV002672461.23), dbSNP rs2497481377, ClinGen allele CA379784219.
Genomic context (GRCh38, chr11:17,594,159, plus strand): 5'-TGAGGACCCCGGAGAACCTAGAGCTAACTAACCCCCAGGAGTTTGGCAGCAGTTGGGCTG[C>T]AGTTGAGGTAAAGCCTCTCTTCCAGGCTGGCTTATGCCCCTCACTCAGATGGGCGCTGCC-3'
Protein context (NP_001278992.1, residues 1124-1144): NPQEFGSSWA[Ala1134Val]VECPDTLDPR